The following is an entry in ClinVar:

NM_000393.5(COL5A2):c.2281C>G (p.Gln761Glu)

Gene: COL5A2 (collagen type V alpha 2 chain; minus strand). Cytogenetic location: 2q32.2.
Variant type: single nucleotide variant.
Coding change: c.2281C>G on transcript NM_000393.5 (MANE Select); coding-DNA position 2281, C replaced by G.
Protein change: p.Gln761Glu; replaces glutamine 761 with glutamic acid.
Molecular consequence: missense variant.
Genome position (GRCh38, 1-based): chr2:189,057,376, G>C on the plus strand (C>G on the coding strand, the complement: COL5A2 is on the minus strand). VCF-style: chr2-189057376-G-C. GRCh37 (hg19) VCF-style: chr2-189922102-G-C.
Other names: short protein forms Q761E.
Identifiers: ClinVar variation 2906390 (VCV002906390.3), dbSNP rs2469276036, ClinGen allele CA349874053.

ClinVar aggregate classification (germline): Uncertain significance (1 of 4 stars; one submission).

Conditions:
Ehlers-Danlos syndrome, classic type, 1 (EDSCL1). Also called: EDS I; EHLERS-DANLOS SYNDROME, GRAVIS TYPE; EHLERS-DANLOS SYNDROME, SEVERE CLASSIC TYPE; Ehlers-Danlos syndrome, type 1; Ehlers-Danlos Syndrome, Classic Type, COL5A1-Related. Identifiers: MedGen C0268335, MONDO:0019567, OMIM 130000.

Allele frequency attached by ClinVar (database versions not stated): gnomAD exomes below 0.00001.
gnomAD v4.1: 1 of 1,607,736 alleles (0.000062%); highest among the groups gnomAD compares: Non-Finnish European, 0.000085%; no homozygotes.

Submission:

Labcorp Genetics (formerly Invitae), Labcorp
Classification: Uncertain significance for Ehlers-Danlos syndrome, classic type, 1. Last evaluated: 2023-03-20. Review status: criteria provided, single submitter. Criteria: Invitae Variant Classification Sherloc (09022015). Collection method: clinical testing. Allele origin: germline.
Comment: In summary, the available evidence is currently insufficient to determine the role of this variant in disease. Therefore, it has been classified as a Variant of Uncertain Significance. Advanced modeling of protein sequence and biophysical properties (such as structural, functional, and spatial information, amino acid conservation, physicochemical variation, residue mobility, and thermodynamic stability) performed at Invitae indicates that this missense variant is expected to disrupt COL5A2 protein function. This variant has not been reported in the literature in individuals affected with COL5A2-related conditions. This variant is not present in population databases (gnomAD no frequency). This sequence change replaces glutamine, which is neutral and polar, with glutamic acid, which is acidic and polar, at codon 761 of the COL5A2 protein (p.Gln761Glu).